The following is an entry in ClinVar:

ClinVar aggregate classification (germline): Uncertain significance (1 of 4 stars; one submission).

Submission:

CeGaT Center for Human Genetics Tuebingen
Classification: Uncertain significance. Last evaluated: 2022-11-01. Review status: criteria provided, single submitter. Criteria: CeGaT Center For Human Genetics Tuebingen Variant Classification Criteria Version 2. Collection method: clinical testing. Allele origin: germline. Affected: yes. Observed: 1 variant allele.
Comment: RTL5: PM2, BP4, BP7

NM_001405151.1(RTL5):c.754G>A (p.Gly252Ser)

Genes: NHSL2 (NHS like 2; plus strand), RTL5 (retrotransposon Gag like 5; minus strand). Cytogenetic location: Xq13.1.
Variant type: single nucleotide variant.
Coding change: c.754G>A on transcript NM_001405151.1 (MANE Select); coding-DNA position 754, G replaced by A.
Protein change: p.Gly252Ser; replaces glycine 252 with serine.
Molecular consequence: missense variant. On other transcripts: intron variant (1).
Genome position (GRCh38, 1-based): chrX:72,130,787, C>T on the plus strand (G>A on the coding strand, the complement: RTL5 is on the minus strand). VCF-style: chrX-72130787-C-T. GRCh37 (hg19) VCF-style: chrX-71350637-C-T.
Other names: c.754G>A, p.Gly252Ser (NM_001024455.4); c.281-1292C>T (NM_001013627.3); short protein forms G252S.
Identifiers: ClinVar variation 2660897 (VCV002660897.24), dbSNP rs2147509670, ClinGen allele CA413552016.
Genomic context (GRCh38, chrX:72,130,787, plus strand): 5'-GGCGGCAGTCATCCCAAGACAAGAATTGGGCCAGGAACTGAAAAGCATCTGCATAGCTGC[C>T]GAGGGTACAGTGGCCCTGCTTGAGCTTGCGAATGGCCTTTTTAGCCACACGTGGGGGGAT-3'
Protein context (NP_001392080.1, residues 242-262): RKLKQGHCTL[Gly252Ser]SYADAFQFLA